The following is an entry in ClinVar:

NM_001374736.1(DST):c.19211T>G (p.Val6404Gly)

Gene: DST (dystonin; minus strand). Cytogenetic location: 6p12.1.
Variant type: single nucleotide variant.
Coding change: c.19211T>G on transcript NM_001374736.1 (MANE Select); coding-DNA position 19211, T replaced by G.
Protein change: p.Val6404Gly; replaces valine 6404 with glycine.
Molecular consequence: missense variant.
Genome position (GRCh38, 1-based): chr6:56,508,557, A>C on the plus strand (T>G on the coding strand, the complement: DST is on the minus strand). VCF-style: chr6-56508557-A-C. GRCh37 (hg19) VCF-style: chr6-56373355-A-C.
Other names: c.12854T>G, p.Val4285Gly (NM_001144769.5); c.12440T>G, p.Val4147Gly (NM_001144770.2); c.19211T>G, p.Val6404Gly (NM_001374722.1); c.18251T>G, p.Val6084Gly (NM_001374729.1); c.11993T>G, p.Val3998Gly (NM_001374730.1); c.19238T>G, p.Val6413Gly (NM_001374734.1); c.12320T>G, p.Val4107Gly (NM_001386100.1, NM_183380.4); c.11342T>G, p.Val3781Gly (NM_015548.5); short protein forms V4285G, V6413G, V4107G, V4147G, V6404G, V3781G, V3998G, V6084G.
Identifiers: ClinVar variation 1434437 (VCV001434437.3), dbSNP rs1476029593, ClinGen allele CA364523379.
Genomic context (GRCh38, chr6:56,508,557, plus strand): 5'-TTTTCTAACTTTAAATGAGATTTTCTGCTTACCTCTGCTGCTTCTTGCTGTTGTTTTACT[A>C]CTGAAGGATCAATTCCAGGATCTTCCAGGTCCCGGATGAAATCTTGAGTATCTTTAATGG-3'
Protein context (NP_001361665.1, residues 6394-6414): DLEDPGIDPS[Val6404Gly]VKQQQEAAET

ClinVar aggregate classification (germline): Uncertain significance (1 of 4 stars; one submission).

Conditions:
Hereditary sensory and autonomic neuropathy type 6. Also called: HSAN VI; Neuropathy, hereditary sensory and autonomic, type VI. Identifiers: Orphanet 314381, MedGen C3539003, MONDO:0013839, OMIM 614653.
Epidermolysis bullosa simplex 3, localized or generalized intermediate, with BP230 deficiency (EBS3). Also called: Epidermolysis bullosa simplex, autosomal recessive 2; Epidermolysis bullosa simplex due to BP230 deficiency. Identifiers: Orphanet 412181, MedGen C3809470, MONDO:0014180, OMIM 615425.

Allele frequency attached by ClinVar (database versions not stated): TOPMed below 0.00001; gnomAD 0.00001.
gnomAD v4.1: 4 of 1,613,656 alleles (0.00025%); highest among the groups gnomAD compares: Non-Finnish European, 0.00034%; no homozygotes.

Submission:

Labcorp Genetics (formerly Invitae), Labcorp
Classification: Uncertain significance for Epidermolysis bullosa simplex 3, localized or generalized intermediate, with BP230 deficiency; Hereditary sensory and autonomic neuropathy type 6. Last evaluated: 2022-06-27. Review status: criteria provided, single submitter. Criteria: Invitae Variant Classification Sherloc (09022015). Collection method: clinical testing. Allele origin: germline.
Comment: The DST gene has multiple clinically relevant transcripts. This variant occurs in alternate transcript NM_015548.4, and corresponds to NM_001723.5:c.*106960T>G in the primary transcript. This sequence change replaces valine, which is neutral and non-polar, with glycine, which is neutral and non-polar, at codon 3781 of the DST protein (p.Val3781Gly). This variant is present in population databases (no rsID available, gnomAD 0.002%). This variant has not been reported in the literature in individuals affected with DST-related conditions. Experimental studies and prediction algorithms are not available or were not evaluated, and the functional significance of this variant is currently unknown. In summary, the available evidence is currently insufficient to determine the role of this variant in disease. Therefore, it has been classified as a Variant of Uncertain Significance.